The following is an entry in ClinVar:

NM_004656.4(BAP1):c.1722G>A (p.Ala574=)

Gene: BAP1 (BRCA1 associated deubiquitinase 1; minus strand). Cytogenetic location: 3p21.1.
Variant type: single nucleotide variant.
Coding change: c.1722G>A on transcript NM_004656.4 (MANE Select); coding-DNA position 1722, G replaced by A.
Protein change: p.Ala574=; no amino-acid change (alanine 574 retained).
Molecular consequence: synonymous variant.
Genome position (GRCh38, 1-based): chr3:52,403,423, C>T on the plus strand (G>A on the coding strand, the complement: BAP1 is on the minus strand). VCF-style: chr3-52403423-C-T. GRCh37 (hg19) VCF-style: chr3-52437439-C-T.
Other names: c.1722G>A (LRG_529t1).
Identifiers: ClinVar variation 417288 (VCV000417288.18), dbSNP rs774348167, ClinGen allele CA2436750.

ClinVar aggregate classification (germline): Benign/Likely benign. Review status: criteria provided, multiple submitters, no conflicts (2 of 4 stars). 5 submissions from 5 submitters: Benign (1); Likely benign (4). Last evaluated 2026-01-26.

Conditions:
BAP1-related tumor predisposition syndrome (TPDS1). Also called: BAP1 tumor predisposition syndrome; Tumor susceptibility linked to germline BAP1 mutations; COMMON Syndrome; TUMOR PREDISPOSITION SYNDROME 1. Identifiers: Orphanet 289539, MedGen C3280492, MONDO:0013692, OMIM 614327.
Melanoma, uveal, susceptibility to, 2 (UVM2). Also called: Melanoma, uveal 2. Identifiers: Orphanet 39044, MedGen C1847723, MONDO:0011696, OMIM 606661.
Hereditary cancer-predisposing syndrome. Also called: Tumor predisposition; Neoplastic Syndromes, Hereditary; Hereditary neoplastic syndrome; Hereditary Cancer Syndrome. Identifiers: Orphanet 140162, MedGen C0027672, MeSH D009386, MONDO:0015356.

Allele frequency attached by ClinVar (database versions not stated): ExAC 0.00002; gnomAD exomes below 0.00001 and 0.00001.
gnomAD v4.1: 8 of 1,613,672 alleles (0.0005%); highest among the groups gnomAD compares: South Asian, 0.0011%; no homozygotes.

Submissions (5):

Labcorp Genetics (formerly Invitae), Labcorp
Classification: Likely benign for BAP1-related tumor predisposition syndrome. Last evaluated: 2026-01-26. Review status: criteria provided, single submitter. Criteria: Invitae Variant Classification Sherloc (09022015). Collection method: clinical testing. Allele origin: germline.

Myriad Genetics, Inc.
Classification: Benign for BAP1-related tumor predisposition syndrome. Last evaluated: 2024-07-17. Review status: criteria provided, single submitter. Criteria: Myriad Autosomal Dominant, Autosomal Recessive and X-Linked Classification Criteria (2023). Collection method: clinical testing. Allele origin: unknown.
Comment: This variant is considered benign. This variant is a silent/synonymous amino acid change and it is not expected to impact splicing.

KCCC/NGS Laboratory, Kuwait Cancer Control Center
Classification: Likely benign for Melanoma, uveal, susceptibility to, 2. Last evaluated: 2023-07-07. Review status: criteria provided, single submitter. Criteria: ACMG Guidelines, 2015. Collection method: clinical testing. Allele origin: germline. Affected: yes.

Ambry Genetics
Classification: Likely benign for Hereditary cancer-predisposing syndrome. Last evaluated: 2017-09-18. Review status: criteria provided, single submitter. Criteria: Ambry Variant Classification Scheme 2023. Collection method: clinical testing. Allele origin: germline.

Color Diagnostics, LLC DBA Color Health
Classification: Likely benign for Hereditary cancer-predisposing syndrome. Last evaluated: 2017-05-19. Review status: criteria provided, single submitter. Criteria: ACMG Guidelines, 2015. Collection method: clinical testing. Allele origin: germline.